The following is an entry in ClinVar:

ClinVar aggregate classification (germline): Uncertain significance (1 of 4 stars; one submission).

Conditions:
Inborn genetic diseases. Identifiers: MedGen C0950123, MeSH D030342.

gnomAD v4.1: 2 of 1,614,094 alleles (0.00012%); highest among the groups gnomAD compares: Non-Finnish European, 0.000085%; no homozygotes.

Submission:

Ambry Genetics
Classification: Uncertain significance for Inborn genetic diseases. Last evaluated: 2026-01-21. Review status: criteria provided, single submitter. Criteria: Ambry Variant Classification Scheme 2023. Collection method: clinical testing. Allele origin: germline.
Comment: The c.5368C>T (p.P1790S) alteration is located in exon 39 (coding exon 38) of the CHD2 gene. This alteration results from a C to T substitution at nucleotide position 5368, causing the proline (P) at amino acid position 1790 to be replaced by a serine (S). Based on data from gnomAD, the T allele has an overall frequency of 0.003% (1/31404) total alleles studied. The highest observed frequency was 0.007% (1/15432) of European (non-Finnish) alleles. Based on insufficient or conflicting evidence, the clinical significance of this alteration remains unclear.

NM_001271.4(CHD2):c.5368C>T (p.Pro1790Ser)

Gene: CHD2 (chromodomain helicase DNA binding protein 2; plus strand). Cytogenetic location: 15q26.1.
Variant type: single nucleotide variant.
Coding change: c.5368C>T on transcript NM_001271.4 (MANE Select); coding-DNA position 5368, C replaced by T.
Protein change: p.Pro1790Ser; replaces proline 1790 with serine.
Molecular consequence: missense variant.
Genome position (GRCh38, 1-based): chr15:93,024,586, C>T. VCF-style: chr15-93024586-C-T. GRCh37 (hg19) VCF-style: chr15-93567816-C-T.
Other names: short protein forms P1790S.
Identifiers: ClinVar variation 4839153 (VCV004839153.1).